The following is an entry in ClinVar:

NM_005609.4(PYGM):c.1240-2A>G

Gene: PYGM (glycogen phosphorylase, muscle associated; minus strand). Cytogenetic location: 11q13.1.
Variant type: single nucleotide variant.
Coding change: c.1240-2A>G on transcript NM_005609.4 (MANE Select); the canonical splice acceptor site of the intron before coding-DNA position 1240, A replaced by G.
Molecular consequence: splice acceptor variant.
Genome position (GRCh38, 1-based): chr11:64,753,684, T>C on the plus strand (A>G on the coding strand, the complement: PYGM is on the minus strand). VCF-style: chr11-64753684-T-C. GRCh37 (hg19) VCF-style: chr11-64521156-T-C.
Other names: c.976-2A>G (NM_001164716.1).
Identifiers: ClinVar variation 658866 (VCV000658866.17), dbSNP rs1212333772, ClinGen allele CA381176196.
Genomic context (GRCh38, chr11:64,753,684, plus strand): 5'-TCCACCAGCGACATGCGCCGCAGCCGGTCTACGTCCCCTGGGAATGCGGCCGCCACCCGC[T>C]GTGCCCAGAGAGCCCAGAGCTAGAACCAGACCCAGGAACCCCCATCCCCAGTCCCCAGCC-3'

ClinVar aggregate classification (germline): Likely pathogenic. Review status: criteria provided, multiple submitters, no conflicts (2 of 4 stars). 6 submissions from 6 submitters: Likely pathogenic (5). 1 of the submissions does not count toward it. Last evaluated 2025-12-22.

Conditions:
PYGM-related disorder. Also called: PYGM-related condition.
Glycogen storage disease, type V (GSD5). Also called: McArdle type glycogen storage disease; MCARDLE DISEASE; MUSCLE GLYCOGEN PHOSPHORYLASE DEFICIENCY; MYOPHOSPHORYLASE DEFICIENCY; PYGM DEFICIENCY. Identifiers: Orphanet 368, MedGen C0017924, MONDO:0009293, OMIM 232600.

Allele frequency attached by ClinVar (database versions not stated): gnomAD exomes below 0.00001.
gnomAD v4.1: 4 of 1,605,978 alleles (0.00025%); highest among the groups gnomAD compares: Admixed American, 0.0017%; no homozygotes.

Submissions (6):

Myriad Genetics, Inc.
Classification: Likely pathogenic for Glycogen storage disease, type V. Last evaluated: 2025-12-22. Review status: criteria provided, single submitter. Criteria: Myriad Autosomal Dominant, Autosomal Recessive and X-Linked Classification Criteria (2023). Collection method: clinical testing. Allele origin: unknown.
Comment: NM_005609.2(PYGM):c.1240-2A>G is a variant in a canonical splice site classified as likely pathogenic in the context of glycogen storage disease, PYGM-related. c.1240-2A>G has not been observed in cases with relevant disease. Relevant functional assessments of this variant are not available in the literature. c.1240-2A>G has been observed in referenced population frequency databases. In summary, NM_005609.2(PYGM):c.1240-2A>G is a variant in a canonical splice site in a gene where loss of function is a known mechanism of disease and is predicted to disrupt protein function. Please note: this variant was assessed in the context of healthy population screening.

Labcorp Genetics (formerly Invitae), Labcorp
Classification: Likely pathogenic for Glycogen storage disease, type V. Last evaluated: 2025-12-01. Review status: criteria provided, single submitter. Criteria: Invitae Variant Classification Sherloc (09022015). Collection method: clinical testing. Allele origin: germline.
Comment: This sequence change affects an acceptor splice site in intron 10 of the PYGM gene. It is expected to disrupt RNA splicing. Variants that disrupt the donor or acceptor splice site typically lead to a loss of protein function (PMID: 16199547), and loss-of-function variants in PYGM are known to be pathogenic (PMID: 8316268, 16786513). The frequency data for this variant in the population databases is considered unreliable, as metrics indicate poor data quality at this position in the gnomAD database. This variant has not been reported in the literature in individuals affected with PYGM-related conditions. ClinVar contains an entry for this variant (Variation ID: 658866). Algorithms developed to predict the effect of sequence changes on RNA splicing suggest that this variant may disrupt the consensus splice site. In summary, the currently available evidence indicates that the variant is pathogenic, but additional data are needed to prove that conclusively. Therefore, this variant has been classified as Likely Pathogenic.

Natera, Inc.
Classification: Likely pathogenic for Glycogen storage disease V. Last evaluated: 2025-05-30. Review status: criteria provided, single submitter. Criteria: Natera Variant Classification Schema (03/2026). Collection method: clinical testing. Allele origin: germline.
Comment: The c.1240-2A>G variant in PYGM is a canonical splice acceptor site variant predicted to affect pre-mRNA splicing, which may result in an abnormal transcript and altered protein product. This variant is expected to result in nonsense mediated decay, truncation, or a dysfunctional protein product. This variant is rare in the general population with a frequency below the threshold expected for the associated phenotype(s). Given the available evidence, this variant is classified as Likely Pathogenic.

Baylor Genetics
Classification: Likely pathogenic for Glycogen storage disease, type V. Last evaluated: 2023-10-15. Review status: criteria provided, single submitter. Criteria: ACMG Guidelines, 2015. Collection method: clinical testing. Allele origin: unknown.

Blueprint Genetics
Classification: Likely pathogenic for PYGM-related disorders. Last evaluated: 2022-09-23. Review status: criteria provided, single submitter. Criteria: ACMG Guidelines, 2015. Collection method: clinical testing. Allele origin: germline. Affected: yes. Observed: 1 variant allele.

PreventionGenetics, part of Exact Sciences
Classification: Likely pathogenic for PYGM-related condition. Last evaluated: 2024-05-17. Review status: no assertion criteria provided. Collection method: clinical testing. Allele origin: germline. Not counted in ClinVar's aggregate classification.
Comment: The PYGM c.1240-2A>G variant is predicted to disrupt the AG splice acceptor site and interfere with normal splicing. This variant has not been reported in the literature. This variant is reported in 0.0030% of alleles in individuals of Latino descent in gnomAD. Variants that disrupt the consensus splice acceptor site in PYGM are expected to be pathogenic. This variant is interpreted as likely pathogenic.

Literature cited by the submitters: PubMed 16199547 (cited by Labcorp Genetics (formerly Invitae), Labcorp); PubMed 8316268 (cited by Labcorp Genetics (formerly Invitae), Labcorp); PubMed 16786513 (cited by Labcorp Genetics (formerly Invitae), Labcorp).